The following is an entry in ClinVar:

ClinVar aggregate classification (germline): Uncertain significance (1 of 4 stars; one submission).

Submission:

Labcorp Genetics (formerly Invitae), Labcorp
Classification: Uncertain significance. Last evaluated: 2022-06-14. Review status: criteria provided, single submitter. Criteria: Invitae Variant Classification Sherloc (09022015). Collection method: clinical testing. Allele origin: germline.
Comment: In summary, the available evidence is currently insufficient to determine the role of this variant in disease. Therefore, it has been classified as a Variant of Uncertain Significance. Algorithms developed to predict the effect of missense changes on protein structure and function are either unavailable or do not agree on the potential impact of this missense change (SIFT: "Deleterious"; PolyPhen-2: "Probably Damaging"; Align-GVGD: "Class C0"). This variant has not been reported in the literature in individuals affected with FAT4-related conditions. This variant is not present in population databases (gnomAD no frequency). This sequence change replaces glycine, which is neutral and non-polar, with aspartic acid, which is acidic and polar, at codon 4257 of the FAT4 protein (p.Gly4257Asp).

NM_001291303.3(FAT4):c.12776G>A (p.Gly4259Asp)

Gene: FAT4 (FAT atypical cadherin 4; plus strand). Cytogenetic location: 4q28.1.
Variant type: single nucleotide variant.
Coding change: c.12776G>A on transcript NM_001291303.3 (MANE Select); coding-DNA position 12776, G replaced by A.
Protein change: p.Gly4259Asp; replaces glycine 4259 with aspartic acid.
Molecular consequence: missense variant.
Genome position (GRCh38, 1-based): chr4:125,481,692, G>A. VCF-style: chr4-125481692-G-A. GRCh37 (hg19) VCF-style: chr4-126402847-G-A.
Other names: c.12776G>A, p.Gly4259Asp (NM_001291285.3); c.12770G>A, p.Gly4257Asp (NM_024582.6); short protein forms G4259D, G4257D.
Identifiers: ClinVar variation 2006574 (VCV002006574.4), dbSNP rs2531022710, ClinGen allele CA358132783.